The following is an entry in ClinVar:

NM_005751.5(AKAP9):c.576+307G>A

Gene: AKAP9 (A-kinase anchoring protein 9; plus strand). Cytogenetic location: 7q21.2.
Variant type: single nucleotide variant.
Coding change: c.576+307G>A on transcript NM_005751.5 (MANE Select); 307 bases into the intron after coding-DNA position 576, G replaced by A.
Molecular consequence: intron variant.
Genome position (GRCh38, 1-based): chr7:91,993,362, G>A. VCF-style: chr7-91993362-G-A. GRCh37 (hg19) VCF-style: chr7-91622676-G-A.
Other names: c.576+307G>A (NM_147185.3).
Identifiers: ClinVar variation 682737 (VCV000682737.1), dbSNP rs2237568, ClinGen allele CA12568553.
Genomic context (GRCh38, chr7:91,993,362, plus strand): 5'-CCTCAGCCTTGTGAGTAACTGGGACTACAGGCATGCACTACCACACCCAGCTAATTTTTT[G>A]TAGAGACAGGGTGTCACCTCAGATTCCTGGACTCTCCTTGGCCTCCCAAAGTGCTAGGAT-3'

ClinVar aggregate classification (germline): Benign (1 of 4 stars; one submission).

Allele frequency attached by ClinVar (database versions not stated): 1000 Genomes Project 0.35823; 1000 Genomes Project 30x 0.36102; TOPMed 0.40041; gnomAD 0.40113 and 0.40378.
gnomAD v4.1: 60,578 of 151,358 alleles (40%); highest among the groups gnomAD compares: African/African-American, 46%; 12,399 homozygotes.

Submission:

GeneDx
Classification: Benign. Last evaluated: 2018-06-14. Review status: criteria provided, single submitter. Criteria: GeneDx Variant Classification (06012015). Collection method: clinical testing. Allele origin: germline. Affected: yes.
Comment: This variant is considered likely benign or benign based on one or more of the following criteria: it is a conservative change, it occurs at a poorly conserved position in the protein, it is predicted to be benign by multiple in silico algorithms, and/or has population frequency not consistent with disease.